The following is an entry in ClinVar:

NM_000760.4(CSF3R):c.1864+7G>T

Gene: CSF3R (colony stimulating factor 3 receptor; minus strand). Cytogenetic location: 1p34.3.
Variant type: single nucleotide variant.
Coding change: c.1864+7G>T on transcript NM_000760.4 (MANE Select); 7 bases into the intron after coding-DNA position 1864, G replaced by T.
Molecular consequence: intron variant.
Genome position (GRCh38, 1-based): chr1:36,467,815, C>A on the plus strand (G>T on the coding strand, the complement: CSF3R is on the minus strand). VCF-style: chr1-36467815-C-A. GRCh37 (hg19) VCF-style: chr1-36933416-C-A.
Other names: c.1864+7G>T (LRG_144t1, NM_156039.3, NM_172313.3).
Identifiers: ClinVar variation 665479 (VCV000665479.8), dbSNP rs1375923168, ClinGen allele CA915941205.

ClinVar aggregate classification (germline): Uncertain significance (1 of 4 stars; one submission).

Conditions:
Autosomal recessive severe congenital neutropenia due to CSF3R deficiency. Also called: Neutropenia, severe congenital, 7, autosomal recessive. Identifiers: Orphanet 420702, MedGen C4310764, MONDO:0014865, OMIM 617014.

Submission:

Labcorp Genetics (formerly Invitae), Labcorp
Classification: Uncertain significance for Autosomal recessive severe congenital neutropenia due to CSF3R deficiency. Last evaluated: 2018-10-01. Review status: criteria provided, single submitter. Criteria: Invitae Variant Classification Sherloc (09022015). Collection method: clinical testing. Allele origin: germline.
Comment: In summary, the available evidence is currently insufficient to determine the role of this variant in disease. Therefore, it has been classified as a Variant of Uncertain Significance. Algorithms developed to predict the effect of sequence changes on RNA splicing suggest that this variant may create or strengthen a splice site, but this prediction has not been confirmed by published transcriptional studies. This variant has not been reported in the literature in individuals with CSF3R-related disease. This variant is not present in population databases (ExAC no frequency). This sequence change falls in intron 14 of the CSF3R gene. It does not directly change the encoded amino acid sequence of the CSF3R protein.